The following is an entry in ClinVar:

ClinVar aggregate classification (germline): Conflicting classifications of pathogenicity. Review status: criteria provided, conflicting classifications (1 of 4 stars). 3 submissions from 3 submitters: Pathogenic (2); Uncertain significance (1). Last evaluated 2025-11-01.

Conditions:
Autosomal recessive nonsyndromic hearing loss 3. Also called: NEUROSENSORY NONSYNDROMIC RECESSIVE DEAFNESS 3. Identifiers: Orphanet 90636, MedGen C1838263, MONDO:0010860, OMIM 600316.

Submissions (3):

CeGaT Center for Human Genetics Tuebingen
Classification: Uncertain significance. Last evaluated: 2025-11-01. Review status: criteria provided, single submitter. Criteria: CeGaT Center For Human Genetics Tuebingen Variant Classification Criteria Version 2. Collection method: clinical testing. Allele origin: germline. Affected: yes. Observed: 3 variant alleles.
Comment: MYO15A: PM2, PVS1:Moderate

MVZ Medizinische Genetik Mainz
Classification: Pathogenic for Autosomal recessive nonsyndromic hearing loss 3. Last evaluated: 2025-01-27. Review status: criteria provided, single submitter. Criteria: UK Practice Guidelines For Variant Classification V4 01 2020. Collection method: clinical testing. Allele origin: germline. Inheritance: Autosomal recessive inheritance. Affected: yes. Observed: 1 variant allele.
Comment: ACMG Criteria: PVS1,PM2_SUP,PM3_SUP

Institute of Rare Diseases, West China Hospital, Sichuan University
Classification: Pathogenic for Autosomal recessive nonsyndromic hearing loss 3. Last evaluated: 2025-01-09. Review status: criteria provided, single submitter. Criteria: ClinGen HL ACMG Specifications v1. Collection method: research. Allele origin: germline. Affected: yes.
Comment: PVS1;PM3_Supporting;PM2_Supporting

NM_016239.4(MYO15A):c.4780-2A>G

Gene: MYO15A (myosin XVA; plus strand). Cytogenetic location: 17p11.2.
Variant type: single nucleotide variant.
Coding change: c.4780-2A>G on transcript NM_016239.4 (MANE Select); the canonical splice acceptor site of the intron before coding-DNA position 4780, A replaced by G.
Molecular consequence: splice acceptor variant.
Genome position (GRCh38, 1-based): chr17:18,137,582, A>G. VCF-style: chr17-18137582-A-G. GRCh37 (hg19) VCF-style: chr17-18040896-A-G.
Identifiers: ClinVar variation 3601345 (VCV003601345.8).